The following is an entry in ClinVar:

ClinVar aggregate classification (germline): Uncertain significance. Review status: criteria provided, single submitter (1 of 4 stars). 2 submissions from 2 submitters: Uncertain significance (1). 1 of the submissions does not count toward it. Last evaluated 2024-09-15.

Conditions:
DNMT1-related disorder. Also called: DNMT1-related condition. Identifiers: MedGen CN381527.
Hereditary sensory neuropathy-deafness-dementia syndrome. Also called: NEUROPATHY, HEREDITARY SENSORY, WITH HEARING LOSS AND DEMENTIA; Hereditary Sensory and Autonomic Neuropathy Type 1E (HSAN1E); Hereditary sensory neuropathy type IE; HSN IE. Identifiers: Orphanet 456318, MedGen C3279885, MONDO:0013584, OMIM 614116.

Allele frequency attached by ClinVar (database versions not stated): ExAC 0.00001; gnomAD exomes 0.00001.

Submissions (3):

Labcorp Genetics (formerly Invitae), Labcorp
Classification: Uncertain significance for Hereditary sensory neuropathy-deafness-dementia syndrome. Last evaluated: 2024-09-15. Review status: criteria provided, single submitter. Criteria: Invitae Variant Classification Sherloc (09022015). Collection method: clinical testing. Allele origin: germline.
Comment: This sequence change replaces arginine, which is basic and polar, with glutamine, which is neutral and polar, at codon 27 of the DNMT1 protein (p.Arg27Gln). This variant also falls at the last nucleotide of exon 1, which is part of the consensus splice site for this exon. This variant is present in population databases (rs753721329, gnomAD 0.001%). This variant has not been reported in the literature in individuals affected with DNMT1-related conditions. An algorithm developed to predict the effect of missense changes on protein structure and function (PolyPhen-2) suggests that this variant is likely to be disruptive. Variants that disrupt the consensus splice site are a relatively common cause of aberrant splicing (PMID: 17576681, 9536098). Algorithms developed to predict the effect of sequence changes on RNA splicing suggest that this variant may disrupt the consensus splice site. In summary, the available evidence is currently insufficient to determine the role of this variant in disease. Therefore, it has been classified as a Variant of Uncertain Significance.

PreventionGenetics, part of Exact Sciences
Classification: Uncertain significance for DNMT1-related condition. Last evaluated: 2023-11-06. Review status: no assertion criteria provided. Collection method: clinical testing. Allele origin: germline. Not counted in ClinVar's aggregate classification.
Comment: The DNMT1 c.80G>A variant is predicted to result in the amino acid substitution p.Arg27Gln. To our knowledge, this variant has not been reported in the literature. This variant is reported in 0.00094% of alleles in individuals of European (Non-Finnish) descent in gnomAD. At this time, the clinical significance of this variant is uncertain due to the absence of conclusive functional and genetic evidence.

Dr. Peter K. Rogan Lab, Western University
No classification provided (evidence only). Condition: Melanoma. Review status: no classification provided. Collection method: in vitro. Allele origin: not applicable. Functional consequence: retained intron. Not counted in ClinVar's aggregate classification.

Literature cited by the submitters: PubMed 17576681 (cited by Labcorp Genetics (formerly Invitae), Labcorp); PubMed 9536098 (cited by Labcorp Genetics (formerly Invitae), Labcorp).

NM_001130823.3(DNMT1):c.80G>A (p.Arg27Gln)

Genes: DNMT1 (DNA methyltransferase 1; minus strand), LOC130063472 (ATAC-STARR-seq lymphoblastoid silent region 10057; plus strand). Cytogenetic location: 19p13.2.
Variant type: single nucleotide variant.
Coding change: c.80G>A on transcript NM_001130823.3 (MANE Select); coding-DNA position 80, G replaced by A.
Protein change: p.Arg27Gln; replaces arginine 27 with glutamine.
Molecular consequence: missense variant. On other transcripts: 5 prime UTR variant (1).
Genome position (GRCh38, 1-based): chr19:10,194,820, C>T on the plus strand (G>A on the coding strand, the complement: DNMT1 is on the minus strand). VCF-style: chr19-10194820-C-T. GRCh37 (hg19) VCF-style: chr19-10305496-C-T.
Other names: c.80G>A, p.Arg27Gln (NM_001318730.2, NM_001379.4); c.-244G>A (NM_001318731.2); c.80G>A (NM_001130823.2); short protein forms R27Q.
Identifiers: ClinVar variation 2784752 (VCV002784752.6), dbSNP rs753721329, ClinGen allele CA9188873.